The following is an entry in ClinVar:

ClinVar aggregate classification (germline): Uncertain significance (1 of 4 stars; one submission).

Conditions:
Lissencephaly 9 with complex brainstem malformation. Identifiers: Orphanet 572013, MedGen C5193029, MONDO:0032677, OMIM 618325.

Allele frequency attached by ClinVar (database versions not stated): gnomAD exomes below 0.00001; gnomAD 0.00001.
gnomAD v4.1: 3 of 1,614,076 alleles (0.00019%); highest among the groups gnomAD compares: African/African-American, 0.004%; no homozygotes.

Submission:

New York Genome Center
Classification: Uncertain significance for Lissencephaly 9 with complex brainstem malformation. Last evaluated: 2021-05-28. Review status: criteria provided, single submitter. Criteria: NYGC Assertion Criteria 2020. Collection method: clinical testing. Allele origin: germline. Observed: 1 heterozygote. Study: CSER-NYCKidSeq.
Comment: The heterozygous c.6395G>A (p.Ser2132Asn) missense variant identified in the MACF1 gene has not been reported in affected individuals in the literature. The variant has 0.000006570 allele frequency in the gnomAD(v3) database (1 out of 152204 heterozygous alleles, no homozygotes) suggesting it is not a common benign variant in the populations represented in that database. In silico tools provide conflicting predictions about potential pathogenicity of this variant(CADD score = 18.65, REVEL score = 0.034). Based on the available evidence, the heterozygous c.6395G>A (p.Ser2132Asn) missense variant identified in the MACF1 gene is reported as a variant of uncertain significance.

NM_001394062.1(MACF1):c.12581G>A (p.Ser4194Asn)

Gene: MACF1 (microtubule actin crosslinking factor 1; plus strand). Cytogenetic location: 1p34.3.
Variant type: single nucleotide variant.
Coding change: c.12581G>A on transcript NM_001394062.1 (MANE Select); coding-DNA position 12581, G replaced by A.
Protein change: p.Ser4194Asn; replaces serine 4194 with asparagine.
Molecular consequence: missense variant.
Genome position (GRCh38, 1-based): chr1:39,361,487, G>A. VCF-style: chr1-39361487-G-A. GRCh37 (hg19) VCF-style: chr1-39827159-G-A.
Other names: c.6395G>A, p.Ser2132Asn (NM_012090.5); short protein forms S2132N, S4194N.
Identifiers: ClinVar variation 1342609 (VCV001342609.1), dbSNP rs1648184698, ClinGen allele CA339824111.